The following is an entry in ClinVar:

NM_000494.4(COL17A1):c.1142-3T>C

Gene: COL17A1 (collagen type XVII alpha 1 chain; minus strand). Cytogenetic location: 10q25.1.
Variant type: single nucleotide variant.
Coding change: c.1142-3T>C on transcript NM_000494.4 (MANE Select); 3 bases into the intron before coding-DNA position 1142, T replaced by C.
Molecular consequence: intron variant.
Genome position (GRCh38, 1-based): chr10:104,059,721, A>G on the plus strand (T>C on the coding strand, the complement: COL17A1 is on the minus strand). VCF-style: chr10-104059721-A-G. GRCh37 (hg19) VCF-style: chr10-105819479-A-G.
Identifiers: ClinVar variation 1949118 (VCV001949118.5), dbSNP rs757602201, ClinGen allele CA5679143.
Genomic context (GRCh38, chr10:104,059,721, plus strand): 5'-GAGTCAGCATTGTAGGCAGCTTGCTTTTCTTTTTTTAGGGTGTCTTCTGAAAAAGAAGCT[A>G]TGTACAGAACCCATTATAACCTGGCATATTCTCTTCTCAACCTCTCAACTCTGTCCTGTG-3'

ClinVar aggregate classification (germline): Uncertain significance (1 of 4 stars; one submission).

Allele frequency attached by ClinVar (database versions not stated): gnomAD 0.00002; TOPMed 0.00002; gnomAD exomes 0.00003; ExAC 0.00006.
gnomAD v4.1: 45 of 1,613,874 alleles (0.0028%); highest among the groups gnomAD compares: Non-Finnish European, 0.003%; no homozygotes.

Submission:

Labcorp Genetics (formerly Invitae), Labcorp
Classification: Uncertain significance. Last evaluated: 2024-01-22. Review status: criteria provided, single submitter. Criteria: Invitae Variant Classification Sherloc (09022015). Collection method: clinical testing. Allele origin: germline.
Comment: This sequence change falls in intron 14 of the COL17A1 gene. It does not directly change the encoded amino acid sequence of the COL17A1 protein. It affects a nucleotide within the consensus splice site. This variant is present in population databases (rs757602201, gnomAD 0.01%). This variant has not been reported in the literature in individuals affected with COL17A1-related conditions. ClinVar contains an entry for this variant (Variation ID: 1949118). Variants that disrupt the consensus splice site are a relatively common cause of aberrant splicing (PMID: 17576681, 9536098). Algorithms developed to predict the effect of sequence changes on RNA splicing suggest that this variant is not likely to affect RNA splicing. In summary, the available evidence is currently insufficient to determine the role of this variant in disease. Therefore, it has been classified as a Variant of Uncertain Significance.

Literature cited by the submitters: PubMed 17576681; PubMed 9536098.